The following is an entry in ClinVar:

NM_006565.4(CTCF):c.952+4C>G

Gene: CTCF (CCCTC-binding factor; plus strand). Cytogenetic location: 16q22.1.
Variant type: single nucleotide variant.
Coding change: c.952+4C>G on transcript NM_006565.4 (MANE Select); 4 bases into the intron after coding-DNA position 952, C replaced by G.
Molecular consequence: intron variant.
Genome position (GRCh38, 1-based): chr16:67,612,125, C>G. VCF-style: chr16-67612125-C-G. GRCh37 (hg19) VCF-style: chr16-67646028-C-G.
Other names: c.952+4C>G (NM_001438969.1, NM_001438968.1, NM_001363916.2); c.-32-4620C>G (NM_001191022.2).
Identifiers: ClinVar variation 5009463 (VCV005009463.1).

ClinVar aggregate classification (germline): Uncertain significance (1 of 4 stars; one submission).

Submission:

GeneDx
Classification: Uncertain significance. Last evaluated: 2026-03-19. Review status: criteria provided, single submitter. Criteria: GeneDx Variant Classification Process June 2021. Collection method: clinical testing. Allele origin: germline.
Comment: Not observed at significant frequency in large population cohorts (gnomAD); In silico analysis is inconclusive as to whether the variant alters gene splicing. In the absence of RNA/functional studies, the actual effect of this sequence change is unknown; Has not been previously published as pathogenic or benign to our knowledge